The following is an entry in ClinVar:

NM_007325.5(GRIA3):c.1888G>A (p.Gly630Arg)

Gene: GRIA3 (glutamate ionotropic receptor AMPA type subunit 3; plus strand). Cytogenetic location: Xq25.
Variant type: single nucleotide variant.
Coding change: c.1888G>A on transcript NM_007325.5 (MANE Select); coding-DNA position 1888, G replaced by A.
Protein change: p.Gly630Arg; replaces glycine 630 with arginine.
Molecular consequence: missense variant.
Genome position (GRCh38, 1-based): chrX:123,427,951, G>A. VCF-style: chrX-123427951-G-A. GRCh37 (hg19) VCF-style: chrX-122561802-G-A.
Other names: c.1888G>A, p.Gly630Arg (NM_000828.5); short protein forms G630R.
Identifiers: ClinVar variation 981267 (VCV000981267.11), dbSNP rs587777361, ClinGen allele CA414259524.

ClinVar aggregate classification (germline): Pathogenic/Likely pathogenic. Review status: criteria provided, multiple submitters, no conflicts (2 of 4 stars). 5 submissions from 5 submitters: Pathogenic (3); Likely pathogenic (1). 1 of the submissions does not count toward it. Last evaluated 2026-06-09.

Conditions:
Syndromic X-linked intellectual disability 94 (MRXSW). Also called: X-linked intellectual disability due to GRIA3 anomalies; MENTAL RETARDATION, X-LINKED, SYNDROMIC 29. Identifiers: Orphanet 364028, MedGen C2678051, MONDO:0010402, OMIM 300699.
Seizure. Also called: Seizures. Identifiers: MedGen C0036572, HP:0001250.
Intellectual disability. Also called: Intellectual developmental disorder; intellectual disabilities; Intellectual functioning disability. Identifiers: MedGen C3714756, MeSH D008607, MONDO:0001071, HP:0001249.

Submissions (5):

GeneDx
Classification: Pathogenic. Last evaluated: 2026-06-09. Review status: criteria provided, single submitter. Criteria: GeneDx Variant Classification Process June 2021. Collection method: clinical testing. Allele origin: germline.
Comment: Not observed at significant frequency in large population cohorts (gnomAD); In silico analysis supports that this missense variant has a deleterious effect on protein structure/function; This variant is associated with the following publications: (PMID: 36114283, 35873028, 38038360, 24721225, 32977175)

CeGaT Center for Human Genetics Tuebingen
Classification: Pathogenic. Last evaluated: 2026-06-01. Review status: criteria provided, single submitter. Criteria: CeGaT Center For Human Genetics Tuebingen Variant Classification Criteria Version 2. Collection method: clinical testing. Allele origin: germline. Affected: yes. Observed: 1 variant allele.
Comment: GRIA3: PS1, PM2, PS4:Moderate, PP2, PP3

Diagnostic Laboratory, Strasbourg University Hospital
Classification: Pathogenic for Intellectual disability. Last evaluated: 2020-09-10. Review status: criteria provided, single submitter. Criteria: ACMG Guidelines, 2015. Collection method: clinical testing. Allele origin: maternal. Affected: yes. Observed: 1 hemizygote.

Juno Genomics, Hangzhou Juno Genomics, Inc
Classification: Likely pathogenic for Syndromic X-linked intellectual disability 94. Review status: criteria provided, single submitter. Criteria: ACMG Guidelines, 2015. Collection method: clinical testing. Allele origin: germline. Affected: yes.
Comment: Absent from controls (or at extremely low frequency if recessive) in Genome Aggregation Database, Exome Sequencing Project, 1000 Genomes Project, or Exome Aggregation Consortium.;Multiple lines of computational evidence support a deleterious effect on the gene or gene product (conservation, evolutionary, splicing impact, etc).;The prevalence of the variant in affected individuals is significantly increased compared to the prevalence in controls.;Same amino acid change as a previously established pathogenic variant regardless of nucleotide change.;Patient's phenotype or family history is highly specific for a disease with a single genetic etiology.

Yale Center for Mendelian Genomics, Yale University
Classification: Likely pathogenic for Seizure. Last evaluated: 2021-04-05. Review status: no assertion criteria provided. Collection method: literature only. Allele origin: de novo. Affected: yes. Observed: 1 heterozygote. Study: Yale Center for Mendelian Genomics. Not counted in ClinVar's aggregate classification.

Literature cited by the submitters: PubMed 33818783 (cited by Yale Center for Mendelian Genomics, Yale University).